The following is an entry in ClinVar:

NM_025132.4(WDR19):c.4004A>G (p.Tyr1335Cys)

Gene: WDR19 (WD repeat domain 19; plus strand). Cytogenetic location: 4p14.
Variant type: single nucleotide variant.
Coding change: c.4004A>G on transcript NM_025132.4 (MANE Select); coding-DNA position 4004, A replaced by G.
Protein change: p.Tyr1335Cys; replaces tyrosine 1335 with cysteine.
Molecular consequence: missense variant.
Genome position (GRCh38, 1-based): chr4:39,278,625, A>G. VCF-style: chr4-39278625-A-G. GRCh37 (hg19) VCF-style: chr4-39280245-A-G.
Other names: c.3524A>G, p.Tyr1175Cys (NM_001317924.2); short protein forms Y1175C, Y1335C.
Identifiers: ClinVar variation 1024952 (VCV001024952.8), dbSNP rs746465783, ClinGen allele CA2892550.
Genomic context (GRCh38, chr4:39,278,625, plus strand): 5'-CTATGTGTTCAGAAAGATTAAACGCTGCTCAGCTGAAAAAGATTTCAGACTGTACCCAGT[A>G]CCTGCGAACGGAGGAGGAACTGTGATTGGCACGTGCAGGTGAGTGGCAGAGCGCCCACGC-3'
Protein context (NP_079408.3, residues 1325-1342): QLKKISDCTQ[Tyr1335Cys]LRTEEEL

ClinVar aggregate classification (germline): Uncertain significance (1 of 4 stars; one submission).

Conditions:
Asphyxiating thoracic dystrophy 5 (SRTD5). Also called: SHORT-RIB THORACIC DYSPLASIA 5 WITH OR WITHOUT POLYDACTYLY; SHORT-RIB THORACIC DYSPLASIA 5 WITHOUT POLYDACTYLY. Identifiers: Orphanet 474, MedGen C3280598, MONDO:0013717, OMIM 614376.
Senior-Loken syndrome 8 (SLSN8). Identifiers: Orphanet 3156, MedGen C4225376, MONDO:0014579, OMIM 616307.

Allele frequency attached by ClinVar (database versions not stated): TOPMed 0.00002; gnomAD 0.00005 and 0.00006; gnomAD exomes 0.00008 and 0.00012; ExAC 0.00015.
gnomAD v4.1: 121 of 1,612,682 alleles (0.0075%); highest among the groups gnomAD compares: Non-Finnish European, 0.0068%; no homozygotes.

Submission:

Labcorp Genetics (formerly Invitae), Labcorp
Classification: Uncertain significance for Senior-Loken syndrome 8; Asphyxiating thoracic dystrophy 5. Last evaluated: 2024-10-14. Review status: criteria provided, single submitter. Criteria: Invitae Variant Classification Sherloc (09022015). Collection method: clinical testing. Allele origin: germline.
Comment: This sequence change replaces tyrosine, which is neutral and polar, with cysteine, which is neutral and slightly polar, at codon 1335 of the WDR19 protein (p.Tyr1335Cys). This variant is present in population databases (rs746465783, gnomAD 0.07%). This variant has not been reported in the literature in individuals affected with WDR19-related conditions. ClinVar contains an entry for this variant (Variation ID: 1024952). Invitae Evidence Modeling of protein sequence and biophysical properties (such as structural, functional, and spatial information, amino acid conservation, physicochemical variation, residue mobility, and thermodynamic stability) has been performed for this missense variant. However, the output from this modeling did not meet the statistical confidence thresholds required to predict the impact of this variant on WDR19 protein function. In summary, the available evidence is currently insufficient to determine the role of this variant in disease. Therefore, it has been classified as a Variant of Uncertain Significance.